The following is an entry in ClinVar:

ClinVar aggregate classification (germline): Conflicting classifications of pathogenicity. Review status: criteria provided, conflicting classifications (1 of 4 stars). 2 submissions from 2 submitters: Uncertain significance (1); Likely benign (1). Last evaluated 2024-10-07.

Conditions:
Inborn genetic diseases. Identifiers: MedGen C0950123, MeSH D030342.

Allele frequency attached by ClinVar (database versions not stated): gnomAD 0.00001; TOPMed 0.00001; gnomAD exomes 0.00002; 1000 Genomes Project 30x 0.00031; 1000 Genomes Project 0.00020; ExAC 0.00005.

Submissions (2):

Ambry Genetics
Classification: Likely benign for Inborn genetic diseases. Last evaluated: 2024-10-07. Review status: criteria provided, single submitter. Criteria: Ambry Variant Classification Scheme 2023. Collection method: clinical testing. Allele origin: germline.

Labcorp Genetics (formerly Invitae), Labcorp
Classification: Uncertain significance. Last evaluated: 2022-08-19. Review status: criteria provided, single submitter. Criteria: Invitae Variant Classification Sherloc (09022015). Collection method: clinical testing. Allele origin: germline.
Comment: This sequence change replaces arginine, which is basic and polar, with glutamine, which is neutral and polar, at codon 381 of the TUBGCP6 protein (p.Arg381Gln). This variant is present in population databases (rs56116752, gnomAD 0.003%). This variant has not been reported in the literature in individuals affected with TUBGCP6-related conditions. ClinVar contains an entry for this variant (Variation ID: 1486221). Algorithms developed to predict the effect of missense changes on protein structure and function output the following: SIFT: "Tolerated"; PolyPhen-2: "Benign"; Align-GVGD: "Class C0". The glutamine amino acid residue is found in multiple mammalian species, which suggests that this missense change does not adversely affect protein function. Algorithms developed to predict the effect of sequence changes on RNA splicing suggest that this variant may create or strengthen a splice site. In summary, the available evidence is currently insufficient to determine the role of this variant in disease. Therefore, it has been classified as a Variant of Uncertain Significance.

NM_020461.4(TUBGCP6):c.1142G>A (p.Arg381Gln)

Gene: TUBGCP6 (tubulin gamma complex component 6; minus strand). Cytogenetic location: 22q13.33.
Variant type: single nucleotide variant.
Coding change: c.1142G>A on transcript NM_020461.4 (MANE Select); coding-DNA position 1142, G replaced by A.
Protein change: p.Arg381Gln; replaces arginine 381 with glutamine.
Molecular consequence: missense variant.
Genome position (GRCh38, 1-based): chr22:50,229,552, C>T on the plus strand (G>A on the coding strand, the complement: TUBGCP6 is on the minus strand). VCF-style: chr22-50229552-C-T. GRCh37 (hg19) VCF-style: chr22-50667981-C-T.
Other names: c.1142G>A (NM_020461.3); short protein forms R381Q.
Identifiers: ClinVar variation 1486221 (VCV001486221.4), dbSNP rs56116752, ClinGen allele CA10308806.